The following is an entry in ClinVar:

ClinVar aggregate classification (germline): Uncertain significance (1 of 4 stars; one submission).

Submission:

Labcorp Genetics (formerly Invitae), Labcorp
Classification: Uncertain significance. Last evaluated: 2022-04-25. Review status: criteria provided, single submitter. Criteria: Invitae Variant Classification Sherloc (09022015). Collection method: clinical testing. Allele origin: germline.
Comment: In summary, the available evidence is currently insufficient to determine the role of this variant in disease. Therefore, it has been classified as a Variant of Uncertain Significance. Algorithms developed to predict the effect of missense changes on protein structure and function output the following: SIFT: "Tolerated"; PolyPhen-2: "Benign"; Align-GVGD: "Class C0". The leucine amino acid residue is found in multiple mammalian species, which suggests that this missense change does not adversely affect protein function. This sequence change replaces proline, which is neutral and non-polar, with leucine, which is neutral and non-polar, at codon 890 of the TONSL protein (p.Pro890Leu). This variant is not present in population databases (gnomAD no frequency). This variant has not been reported in the literature in individuals affected with TONSL-related conditions.

NM_013432.5(TONSL):c.2669C>T (p.Pro890Leu)

Genes: TONSL (tonsoku like, DNA repair protein; minus strand), TONSL-AS1 (TONSL antisense RNA 1; plus strand). Cytogenetic location: 8q24.3.
Variant type: single nucleotide variant.
Coding change: c.2669C>T on transcript NM_013432.5 (MANE Select); coding-DNA position 2669, C replaced by T.
Protein change: p.Pro890Leu; replaces proline 890 with leucine.
Molecular consequence: missense variant.
Genome position (GRCh38, 1-based): chr8:144,435,764, G>A on the plus strand (C>T on the coding strand, the complement: TONSL is on the minus strand). VCF-style: chr8-144435764-G-A. GRCh37 (hg19) VCF-style: chr8-145661147-G-A.
Other names: short protein forms P890L.
Identifiers: ClinVar variation 1373847 (VCV001373847.8), dbSNP rs1586687244, ClinGen allele CA372653396.